The following is an entry in ClinVar:

ClinVar aggregate classification (germline): Uncertain significance (1 of 4 stars; one submission).

Conditions:
Cardiovascular phenotype. Identifiers: MedGen CN230736.

gnomAD v4.1: 5 of 1,549,152 alleles (0.00032%); highest among the groups gnomAD compares: Admixed American, 0.0078%; no homozygotes.

Submission:

Ambry Genetics
Classification: Uncertain significance for Cardiovascular phenotype. Last evaluated: 2025-08-31. Review status: criteria provided, single submitter. Criteria: Ambry Variant Classification Scheme 2023. Collection method: clinical testing. Allele origin: germline.
Comment: The p.A778S variant (also known as c.2332G>T), located in coding exon 3 of the TNXB gene, results from a G to T substitution at nucleotide position 2332. The alanine at codon 778 is replaced by serine, an amino acid with similar properties. This amino acid position is conserved. In addition, this alteration is predicted to be tolerated by in silico analysis. Based on the available evidence, the clinical significance of this variant remains unclear.

NM_001365276.2(TNXB):c.2332G>T (p.Ala778Ser)

Gene: TNXB (tenascin XB; minus strand). Cytogenetic location: 6p21.33.
Variant type: single nucleotide variant.
Coding change: c.2332G>T on transcript NM_001365276.2 (MANE Select); coding-DNA position 2332, G replaced by T.
Protein change: p.Ala778Ser; replaces alanine 778 with serine.
Molecular consequence: missense variant.
Genome position (GRCh38, 1-based): chr6:32,095,102, C>A on the plus strand (G>T on the coding strand, the complement: TNXB is on the minus strand). VCF-style: chr6-32095102-C-A. GRCh37 (hg19) VCF-style: chr6-32062879-C-A.
Other names: c.2332G>T, p.Ala778Ser (NM_001428335.1, NM_019105.8); short protein forms A778S.
Identifiers: ClinVar variation 4188736 (VCV004188736.1).